The following is an entry in ClinVar:

NM_024675.4(PALB2):c.3377A>G (p.His1126Arg)

Gene: PALB2 (partner and localizer of BRCA2; minus strand). Cytogenetic location: 16p12.2.
Variant type: single nucleotide variant.
Coding change: c.3377A>G on transcript NM_024675.4 (MANE Select); coding-DNA position 3377, A replaced by G.
Protein change: p.His1126Arg; replaces histidine 1126 with arginine.
Molecular consequence: missense variant.
Genome position (GRCh38, 1-based): chr16:23,603,643, T>C on the plus strand (A>G on the coding strand, the complement: PALB2 is on the minus strand). VCF-style: chr16-23603643-T-C. GRCh37 (hg19) VCF-style: chr16-23614964-T-C.
Other names: c.3377A>G (NM_024675.3); short protein forms H1126R.
Identifiers: ClinVar variation 1465799 (VCV001465799.8), dbSNP rs752373316, ClinGen allele CA395138311.

ClinVar aggregate classification (germline): Uncertain significance. Review status: criteria provided, multiple submitters, no conflicts (2 of 4 stars). 2 submissions from 2 submitters: Uncertain significance (2). Last evaluated 2025-06-09.

Conditions:
Familial cancer of breast. Also called: Hereditary breast cancer; hereditary breast carcinoma; BREAST CANCER, FAMILIAL. Identifiers: Orphanet 227535, MedGen C0346153, MONDO:0016419, OMIM 114480. Disease mechanism: loss of function.
Hereditary cancer-predisposing syndrome. Also called: Tumor predisposition; Hereditary neoplastic syndrome; Hereditary Cancer Syndrome; Neoplastic Syndromes, Hereditary. Identifiers: Orphanet 140162, MedGen C0027672, MeSH D009386, MONDO:0015356.

gnomAD v4.1: 4 of 1,613,610 alleles (0.00025%); highest among the groups gnomAD compares: South Asian, 0.0044%; no homozygotes.

Submissions (2):

Ambry Genetics
Classification: Uncertain significance for Hereditary cancer-predisposing syndrome. Last evaluated: 2025-06-09. Review status: criteria provided, single submitter. Criteria: Ambry Variant Classification Scheme 2023. Collection method: clinical testing. Allele origin: germline.
Comment: The p.H1126R variant (also known as c.3377A>G), located in coding exon 13 of the PALB2 gene, results from an A to G substitution at nucleotide position 3377. The histidine at codon 1126 is replaced by arginine, an amino acid with highly similar properties. This amino acid position is conserved. In addition, this alteration is predicted to be tolerated by in silico analysis. Based on the available evidence, the clinical significance of this variant remains unclear.

Labcorp Genetics (formerly Invitae), Labcorp
Classification: Uncertain significance for Familial cancer of breast. Last evaluated: 2021-07-30. Review status: criteria provided, single submitter. Criteria: Invitae Variant Classification Sherloc (09022015). Collection method: clinical testing. Allele origin: germline.
Comment: This sequence change replaces histidine with arginine at codon 1126 of the PALB2 protein (p.His1126Arg). The histidine residue is moderately conserved and there is a small physicochemical difference between histidine and arginine. This variant is not present in population databases (ExAC no frequency). In summary, the available evidence is currently insufficient to determine the role of this variant in disease. Therefore, it has been classified as a Variant of Uncertain Significance. Algorithms developed to predict the effect of missense changes on protein structure and function (SIFT, PolyPhen-2, Align-GVGD) all suggest that this variant is likely to be tolerated. This variant has not been reported in the literature in individuals affected with PALB2-related conditions.